The following is an entry in ClinVar:

NM_004260.4(RECQL4):c.2038A>G (p.Met680Val)

Gene: RECQL4 (RecQ like helicase 4; minus strand). Cytogenetic location: 8q24.3.
Variant type: single nucleotide variant.
Coding change: c.2038A>G on transcript NM_004260.4 (MANE Select); coding-DNA position 2038, A replaced by G.
Protein change: p.Met680Val; replaces methionine 680 with valine.
Molecular consequence: missense variant.
Genome position (GRCh38, 1-based): chr8:144,513,948, T>C on the plus strand (A>G on the coding strand, the complement: RECQL4 is on the minus strand). VCF-style: chr8-144513948-T-C. GRCh37 (hg19) VCF-style: chr8-145739332-T-C.
Other names: short protein forms M680V.
Identifiers: ClinVar variation 574063 (VCV000574063.5), dbSNP rs1040931249, ClinGen allele CA187684342.

ClinVar aggregate classification (germline): Uncertain significance. Review status: criteria provided, multiple submitters, no conflicts (2 of 4 stars). 2 submissions from 2 submitters: Uncertain significance (2). Last evaluated 2026-03-12.

Conditions:
Baller-Gerold syndrome (BGS). Also called: CRANIOSYNOSTOSIS WITH RADIAL DEFECTS. Identifiers: Orphanet 1225, MedGen C0265308, MONDO:0009039, OMIM 218600.
Inborn genetic diseases. Identifiers: MedGen C0950123, MeSH D030342.

Allele frequency attached by ClinVar (database versions not stated): gnomAD exomes below 0.00001 and 0.00001; gnomAD 0.00001; TOPMed 0.00002.
gnomAD v4.1: 3 of 1,558,008 alleles (0.00019%); highest among the groups gnomAD compares: African/African-American, 0.0014%; no homozygotes.

Submissions (2):

Ambry Genetics
Classification: Uncertain significance for Inborn genetic diseases. Last evaluated: 2026-03-12. Review status: criteria provided, single submitter. Criteria: Ambry Variant Classification Scheme 2023. Collection method: clinical testing. Allele origin: germline.
Comment: The p.M680V variant (also known as c.2038A>G), located in coding exon 12 of the RECQL4 gene, results from an A to G substitution at nucleotide position 2038. The methionine at codon 680 is replaced by valine, an amino acid with highly similar properties. This amino acid position is conserved. In addition, this alteration is predicted to be tolerated by in silico analysis. Based on the available evidence, the clinical significance of this variant remains unclear.

Labcorp Genetics (formerly Invitae), Labcorp
Classification: Uncertain significance for Baller-Gerold syndrome. Last evaluated: 2023-08-22. Review status: criteria provided, single submitter. Criteria: Invitae Variant Classification Sherloc (09022015). Collection method: clinical testing. Allele origin: germline.
Comment: This sequence change replaces methionine, which is neutral and non-polar, with valine, which is neutral and non-polar, at codon 680 of the RECQL4 protein (p.Met680Val). In summary, the available evidence is currently insufficient to determine the role of this variant in disease. Therefore, it has been classified as a Variant of Uncertain Significance. Advanced modeling of protein sequence and biophysical properties (such as structural, functional, and spatial information, amino acid conservation, physicochemical variation, residue mobility, and thermodynamic stability) performed at Invitae indicates that this missense variant is not expected to disrupt RECQL4 protein function. ClinVar contains an entry for this variant (Variation ID: 574063). This variant has not been reported in the literature in individuals affected with RECQL4-related conditions. The frequency data for this variant in the population databases is considered unreliable, as metrics indicate poor data quality at this position in the gnomAD database.